The following is an entry in ClinVar:

NM_001009944.3(PKD1):c.10619G>C (p.Gly3540Ala)

Genes: PKD1 (polycystin 1, transient receptor potential channel interacting; minus strand), PKD1-AS1 (PKD1 antisense RNA 1; plus strand). Cytogenetic location: 16p13.3.
Variant type: single nucleotide variant.
Coding change: c.10619G>C on transcript NM_001009944.3 (MANE Select); coding-DNA position 10619, G replaced by C.
Protein change: p.Gly3540Ala; replaces glycine 3540 with alanine.
Molecular consequence: missense variant.
Genome position (GRCh38, 1-based): chr16:2,094,013, C>G on the plus strand (G>C on the coding strand, the complement: PKD1 is on the minus strand). VCF-style: chr16-2094013-C-G. GRCh37 (hg19) VCF-style: chr16-2144014-C-G.
Other names: NC_000016.9:g.2144014C>G; c.10616G>C, p.Gly3539Ala (NM_000296.4); c.10619G>C (NM_001009944.2); short protein forms G3539A, G3540A.
Identifiers: ClinVar variation 440097 (VCV000440097.38), dbSNP rs201409107, ClinGen allele CA7829481.

ClinVar aggregate classification (germline): Conflicting classifications of pathogenicity. Review status: criteria provided, conflicting classifications (1 of 4 stars). 7 submissions from 7 submitters: Uncertain significance (3); Likely benign (1). 3 of the submissions do not count toward it. Last evaluated 2026-08-10.

Conditions:
PKD1-related disorder. Also called: PKD1-related condition.
Autosomal dominant polycystic kidney disease. Identifiers: Orphanet 730, MedGen C0085413, MONDO:0004691.
Inborn genetic diseases. Identifiers: MedGen C0950123, MeSH D030342.

Allele frequency attached by ClinVar (database versions not stated): TOPMed 0.00015; gnomAD 0.00017 and 0.00018; gnomAD exomes 0.00018 and 0.00025; ESP Exome Variant Server 0.00031; ExAC 0.00046.
gnomAD v4.1: 378 of 1,590,384 alleles (0.024%); highest among the groups gnomAD compares: South Asian, 0.034%; 1 homozygote.

Submissions (8):

PreventionGenetics, part of Exact Sciences
Classification: Uncertain significance for PKD1-related condition. Last evaluated: 2026-08-10. Review status: criteria provided, single submitter. Criteria: ACMG Guidelines, 2015. Collection method: clinical testing. Allele origin: germline.
Comment: The PKD1 c.10619G>C variant is predicted to result in the amino acid substitution p.Gly3540Ala. To our knowledge, this variant has not been reported in the literature. This variant is reported in 0.033% of alleles in individuals of South Asian descent in gnomAD. Although we suspect that this variant may be benign, at this time, the clinical significance of this variant is uncertain due to the absence of conclusive functional and genetic evidence.

Ambry Genetics
Classification: Uncertain significance for Inborn genetic diseases. Last evaluated: 2025-01-19. Review status: criteria provided, single submitter. Criteria: Ambry Variant Classification Scheme 2023. Collection method: clinical testing. Allele origin: germline.

ARUP Laboratories, Molecular Genetics and Genomics, ARUP Laboratories
Classification: Likely benign. Last evaluated: 2016-11-02. Review status: criteria provided, single submitter. Criteria: ARUP Molecular Germline Variant Investigation Process. Collection method: clinical testing. Allele origin: germline.

Athena Diagnostics
Classification: Uncertain significance. Last evaluated: 2016-11-01. Review status: criteria provided, single submitter. Criteria: Athena Diagnostics Criteria. Collection method: clinical testing. Allele origin: germline.

Laboratory of Gastroenterology and Hepatology, Radboud University Medical Center
Classification: Uncertain significance for Autosomal dominant polycystic kidney disease. Last evaluated: 2021-09-01. Review status: no assertion criteria provided. Collection method: research. Allele origin: germline. Affected: yes. Not counted in ClinVar's aggregate classification.

Clinical Genetics DNA and cytogenetics Diagnostics Lab, Erasmus MC, Erasmus Medical Center
Classification: Uncertain significance. Review status: no assertion criteria provided. Collection method: clinical testing. Allele origin: germline. Affected: yes. Study: VKGL Data-share Consensus. Not counted in ClinVar's aggregate classification.

Dr. Peter K. Rogan Lab, Western University
No classification provided (evidence only). Condition: Uterine carcinosarcoma. Review status: no classification provided. Collection method: in vitro. Allele origin: not applicable. Functional consequence: retained intron. Not counted in ClinVar's aggregate classification.

Laboratory of Diagnostic Genome Analysis, Leiden University Medical Center (LUMC)
Classification: Uncertain significance. Review status: no assertion criteria provided. Collection method: clinical testing. Allele origin: germline. Affected: yes. Study: VKGL Data-share Consensus. Not counted in ClinVar's aggregate classification.